The following is an entry in ClinVar:

ClinVar aggregate classification (germline): Pathogenic. Review status: criteria provided, multiple submitters, no conflicts (2 of 4 stars). 14 submissions from 14 submitters: Pathogenic (11). 3 of the submissions do not count toward it. Last evaluated 2025-10-14.

Conditions:
Inborn genetic diseases. Identifiers: MedGen C0950123, MeSH D030342.
Congenital myopathy 4A, autosomal dominant (CMYO4A). Identifiers: MedGen CN178536, MONDO:0800341, OMIM 255310.
Nemaline myopathy. Also called: Myopathies, Nemaline. Identifiers: Orphanet 607, MedGen C0206157, MONDO:0018958.
Congenital myopathy 4B, autosomal recessive. Also called: Nemaline myopathy 1, autosomal dominant or recessive. Identifiers: Orphanet 171433, Orphanet 171439, Orphanet 171881, MedGen C5829889, MONDO:0012239, OMIM 609284.
Congenital myopathy with fiber type disproportion. Also called: Congenital fiber-type disproportion; Congenital fiber-type disproportion myopathy. Identifiers: Orphanet 2020, MedGen C0546264, MONDO:0009711. Inheritance: all.

Submissions (14):

Institute of Human Genetics, University of Leipzig Medical Center
Classification: Pathogenic for Congenital myopathy 4A, autosomal dominant. Last evaluated: 2025-10-14. Review status: criteria provided, single submitter. Criteria: ACMG Guidelines, 2015. Collection method: clinical testing. Allele origin: de novo. Inheritance: Autosomal dominant inheritance. Affected: yes.
Comment: Criteria applied: PS4,PM5_STR,PS2_MOD,PM2,PS3_SUP,PP2,PP3

Molecular Genetics Laboratory, BC Children's and BC Women's Hospitals
Classification: Pathogenic for Congenital myopathy 4A, autosomal dominant. Last evaluated: 2025-08-07. Review status: criteria provided, single submitter. Criteria: ACMG Guidelines, 2015. Collection method: clinical testing. Allele origin: de novo. Affected: yes.

Labcorp Genetics (formerly Invitae), Labcorp
Classification: Pathogenic for Congenital myopathy with fiber type disproportion; Congenital myopathy 4B, autosomal recessive. Last evaluated: 2024-07-29. Review status: criteria provided, single submitter. Criteria: Invitae Variant Classification Sherloc (09022015). Collection method: clinical testing. Allele origin: germline.
Comment: This sequence change replaces arginine, which is basic and polar, with cysteine, which is neutral and slightly polar, at codon 168 of the TPM3 protein (p.Arg168Cys). This variant is not present in population databases (gnomAD no frequency). This missense change has been observed in individual(s) with congenital myopathy, cap myopathy, nemaline myopathy, and congenital fiber type disproportion (PMID: 18300303, 19487656, 19953533, 20554445, 24095155, 24507666, 24642510, 24692096, 26307083, 27363342). In at least one individual the variant was observed to be de novo. ClinVar contains an entry for this variant (Variation ID: 12454). Advanced modeling of protein sequence and biophysical properties (such as structural, functional, and spatial information, amino acid conservation, physicochemical variation, residue mobility, and thermodynamic stability) performed at Invitae indicates that this missense variant is expected to disrupt TPM3 protein function with a positive predictive value of 80%. Experimental studies have shown that this missense change affects TPM3 function (PMID: 22749829, 26307083). This variant disrupts the p.Arg168 amino acid residue in TPM3. Other variant(s) that disrupt this residue have been determined to be pathogenic (PMID: 12467750, 17376686, 19553118, 21357678, 22749829, 22798622, 23886664, 24507666, 24692096). This suggests that this residue is clinically significant, and that variants that disrupt this residue are likely to be disease-causing. For these reasons, this variant has been classified as Pathogenic.

Muscle and Diseases Team, Institut de Génétique et Biologie Moléculaire et Cellulaire
Classification: Pathogenic for Nemaline myopathy. Last evaluated: 2024-03-01. Review status: criteria provided, single submitter. Criteria: ACMG Guidelines, 2015. Collection method: research. Allele origin: de novo. Affected: yes. Observed: 1 variant allele.
Comment: PS3+PM1+PM2+PM5+PM6+PP2+PP3

GeneDx
Classification: Pathogenic. Last evaluated: 2022-12-28. Review status: criteria provided, single submitter. Criteria: GeneDx Variant Classification Process June 2021. Collection method: clinical testing. Allele origin: germline. Affected: yes.
Comment: Published functional studies demonstrate a decreased affinity for actin and reduced calcium-induced ATPase activation (Robaszkiewicz et al., 2012); Not observed at significant frequency in large population cohorts (gnomAD); In silico analysis supports that this missense variant has a deleterious effect on protein structure/function; This variant is associated with the following publications: (PMID: 24692096, 24642510, 24456932, 20301436, 12467750, 32675003, 22749829, 19181092, 26307083, 18300303, 20554445, 24095155, 24507666, 19487656, 24239060, 20179953, 22172422, 23584160, 27363342, 29669168, 23886664, 22798622, 21357678, 19953533, 19553118, 17376686, 12601110, 12196661, 12163190, 10619715, 33646172, 33064836, 33652732, 33333461)

CeGaT Center for Human Genetics Tuebingen
Classification: Pathogenic. Last evaluated: 2022-09-01. Review status: criteria provided, single submitter. Criteria: CeGaT Center For Human Genetics Tuebingen Variant Classification Criteria Version 2. Collection method: clinical testing. Allele origin: germline. Affected: yes. Observed: 1 variant allele.
Comment: TPM3: PM2, PM5, PM6, PS4:Moderate, PP3, PP4, PS3:Supporting

Revvity Omics, Revvity
Classification: Pathogenic. Last evaluated: 2019-06-21. Review status: criteria provided, single submitter. Criteria: ACMG Guidelines, 2015. Collection method: clinical testing. Allele origin: germline.

Center for Pediatric Genomic Medicine, Children's Mercy Hospital and Clinics
Classification: Pathogenic. Last evaluated: 2017-04-11. Review status: criteria provided, single submitter. Criteria: ACMG Guidelines, 2015. Collection method: clinical testing. Allele origin: de novo.

Eurofins Ntd Llc (ga)
Classification: Pathogenic. Last evaluated: 2016-11-29. Review status: criteria provided, single submitter. Criteria: EGL Classification Definitions 2015. Collection method: clinical testing. Allele origin: germline. Observed: 1 variant allele, 1 heterozygote.

Ambry Genetics
Classification: Pathogenic for Inborn genetic diseases. Last evaluated: 2016-06-07. Review status: criteria provided, single submitter. Criteria: Ambry exome assertion method (8-5-2015). Collection method: clinical testing. Allele origin: germline. Affected: yes. Observed: 1 variant allele.

Suma Genomics
Classification: Pathogenic for Congenital myopathy 4A, autosomal dominant. Review status: criteria provided, single submitter. Criteria: ACMG Guidelines, 2015. Collection method: clinical testing. Allele origin: de novo. Inheritance: Autosomal dominant inheritance. Affected: yes. Observed: 1 heterozygote.
Comment: A missense variant c.502C>T, p.(Arg168Cys) is observed in exon 5 of TPM3 in heterozygous state. This variant is not observed in the gnomAD database. This variant was reported earlier in the ClinVar database as pathogenic (ClinVar id. 12454). ACMG criteria: PS2, PS3, PM1, PM2_Supporting, PM6 and PP3

OMIM
Classification: Pathogenic for CONGENITAL MYOPATHY 4A, AUTOSOMAL DOMINANT. Last evaluated: 2013-12-01. Review status: no assertion criteria provided. Collection method: literature only. Allele origin: germline. Not counted in ClinVar's aggregate classification.

GeneReviews
No classification provided. Condition: Congenital myopathy with fiber type disproportion. Review status: no classification provided. Collection method: literature only. Allele origin: unknown. Not counted in ClinVar's aggregate classification.

TPM3 homepage - Leiden Muscular Dystrophy pages
No classification provided. Review status: no classification provided. Collection method: not provided. Allele origin: not provided. Not counted in ClinVar's aggregate classification.

Literature cited by the submitters: PubMed 18300303 (cited by 3 submitters); PubMed 19487656 (cited by Labcorp Genetics (formerly Invitae), Labcorp and OMIM); PubMed 19953533 (cited by Labcorp Genetics (formerly Invitae), Labcorp); PubMed 20554445 (cited by Labcorp Genetics (formerly Invitae), Labcorp and OMIM); PubMed 24095155 (cited by 3 submitters); PubMed 24507666 (cited by Labcorp Genetics (formerly Invitae), Labcorp); PubMed 24642510 (cited by Labcorp Genetics (formerly Invitae), Labcorp); PubMed 24692096 (cited by Labcorp Genetics (formerly Invitae), Labcorp); PubMed 26307083 (cited by Labcorp Genetics (formerly Invitae), Labcorp); PubMed 27363342 (cited by Labcorp Genetics (formerly Invitae), Labcorp); PubMed 22749829 (cited by Labcorp Genetics (formerly Invitae), Labcorp); PubMed 12467750 (cited by Labcorp Genetics (formerly Invitae), Labcorp); PubMed 17376686 (cited by Labcorp Genetics (formerly Invitae), Labcorp); PubMed 19553118 (cited by Labcorp Genetics (formerly Invitae), Labcorp); PubMed 21357678 (cited by Labcorp Genetics (formerly Invitae), Labcorp); PubMed 22798622 (cited by Labcorp Genetics (formerly Invitae), Labcorp); PubMed 23886664 (cited by Labcorp Genetics (formerly Invitae), Labcorp); DOI 10.1186/s13073-024-01353-0 (cited by Muscle and Diseases Team, Institut de Génétique et Biologie Moléculaire et Cellulaire); PubMed 12163190 (cited by OMIM); PubMed 20301436 (cited by GeneReviews); NCBI Bookshelf NBK1259 (cited by GeneReviews).

NM_152263.4(TPM3):c.502C>T (p.Arg168Cys)

Gene: TPM3 (tropomyosin 3; minus strand). Cytogenetic location: 1q21.3.
Variant type: single nucleotide variant.
Coding change: c.502C>T on transcript NM_152263.4 (MANE Select); coding-DNA position 502, C replaced by T.
Protein change: p.Arg168Cys; replaces arginine 168 with cysteine.
Molecular consequence: missense variant. On other transcripts: non-coding transcript variant (1).
Genome position (GRCh38, 1-based): chr1:154,172,972, G>A on the plus strand (C>T on the coding strand, the complement: TPM3 is on the minus strand). VCF-style: chr1-154172972-G-A. GRCh37 (hg19) VCF-style: chr1-154145448-G-A.
Other names: c.391C>T, p.Arg131Cys (NM_001043351.2, NM_001043352.2, NM_001043353.2 and 5 more transcripts); c.193C>T, p.Arg65Cys (NM_001278188.2); c.121C>T, p.Arg41Cys (NM_001278191.2); c.502C>T, p.Arg168Cys (NM_001364679.2, NM_001364680.2, NM_001364681.2 and 1 more transcripts); short protein forms R168C, R131C, R41C, R65C.
Identifiers: ClinVar variation 12454 (VCV000012454.58), dbSNP rs121964854, ClinGen allele CA144544.